The following is an entry in ClinVar:

ClinVar aggregate classification (germline): Benign/Likely benign. Review status: criteria provided, multiple submitters, no conflicts (2 of 4 stars). 2 submissions from 2 submitters: Benign (1); Likely benign (1). Last evaluated 2018-06-14.

Conditions:
Loeys-Dietz syndrome 4 (LDS4). Also called: TGFB2-Related Loeys-Dietz Syndrome; ANEURYSM, AORTIC AND CEREBRAL, WITH ARTERIAL TORTUOSITY AND SKELETAL MANIFESTATIONS. Identifiers: MedGen C3553762, MONDO:0013897, OMIM 614816.

Allele frequency attached by ClinVar (database versions not stated): TOPMed 0.00975; 1000 Genomes Project 0.01038; 1000 Genomes Project 30x 0.01171; gnomAD exomes 0.00122; gnomAD 0.00858 and 0.00928.
gnomAD v4.1: 1,294 of 153,200 alleles (0.84%); highest among the groups gnomAD compares: African/African-American, 2.9%; 21 homozygotes.

Submissions (2):

GeneDx
Classification: Likely benign. Last evaluated: 2018-06-14. Review status: criteria provided, single submitter. Criteria: GeneDx Variant Classification (06012015). Collection method: clinical testing. Allele origin: germline. Affected: yes.
Comment: This variant is considered likely benign or benign based on one or more of the following criteria: it is a conservative change, it occurs at a poorly conserved position in the protein, it is predicted to be benign by multiple in silico algorithms, and/or has population frequency not consistent with disease.

Illumina Laboratory Services, Illumina
Classification: Benign for Loeys-Dietz syndrome 4. Last evaluated: 2018-01-12. Review status: criteria provided, single submitter. Criteria: ICSL Variant Classification Criteria 13 December 2019. Collection method: clinical testing. Allele origin: germline.
Comment: This variant was observed in the ICSL laboratory as part of a predisposition screen in an ostensibly healthy population. It had not been previously curated by ICSL or reported in the Human Gene Mutation Database (HGMD: prior to June 1st, 2018), and was therefore a candidate for classification through an automated scoring system. Utilizing variant allele frequency, disease prevalence and penetrance estimates, and inheritance mode, an automated score was calculated to assess if this variant is too frequent to cause the disease. Based on the score and internal cut-off values, a variant classified as benign is not then subjected to further curation. The score for this variant resulted in a classification of benign for this disease.

NM_003238.6(TGFB2):c.-1230G>A

Genes: TGFB2 (transforming growth factor beta 2; plus strand), TGFB2-AS1 (TGFB2 antisense RNA 1; minus strand). Cytogenetic location: 1q41.
Variant type: single nucleotide variant.
Coding change: c.-1230G>A on transcript NM_003238.6 (MANE Select); 1230 bases upstream of the start codon, G replaced by A.
Molecular consequence: 5 prime UTR variant. On other transcripts: non-coding transcript variant (2).
Genome position (GRCh38, 1-based): chr1:218,345,472, G>A. VCF-style: chr1-218345472-G-A. GRCh37 (hg19) VCF-style: chr1-218518814-G-A.
Other names: c.-1230G>A (NM_001135599.4).
Identifiers: ClinVar variation 675714 (VCV000675714.5), dbSNP rs11466363, ClinGen allele CA37543125.
Genomic context (GRCh38, chr1:218,345,472, plus strand): 5'-GATAGAGATAGAAAGAGAAAGAGAGAAAGAGACAGCAGAGCGAGAGCGCAAGTGAAAGAG[G>A]CAGGGGAGGGGGATGGAGAATATTAGCCTGACGGTCTAGGGAGTCATCCAGGAACAAACT-3'